The following is an entry in ClinVar:

NM_001042492.3(NF1):c.6822A>C (p.Ala2274=)

Gene: NF1 (neurofibromin 1; plus strand). Cytogenetic location: 17q11.2.
Variant type: single nucleotide variant.
Coding change: c.6822A>C on transcript NM_001042492.3 (MANE Select); coding-DNA position 6822, A replaced by C.
Protein change: p.Ala2274=; no amino-acid change (alanine 2274 retained).
Molecular consequence: synonymous variant.
Genome position (GRCh38, 1-based): chr17:31,338,706, A>C. VCF-style: chr17-31338706-A-C. GRCh37 (hg19) VCF-style: chr17-29665724-A-C.
Other names: c.6759A>C, p.Ala2253= (NM_000267.4).
Identifiers: ClinVar variation 457808 (VCV000457808.8), dbSNP rs1555535025, ClinGen allele CA499234319.

ClinVar aggregate classification (germline): Benign/Likely benign. Review status: criteria provided, multiple submitters, no conflicts (2 of 4 stars). 2 submissions from 2 submitters: Benign (1); Likely benign (1). Last evaluated 2026-09-28.

Conditions:
Neurofibromatosis, type 1 (NF1). Also called: VON RECKLINGHAUSEN DISEASE; NEUROFIBROMATOSIS, TYPE I, SOMATIC; Neurofibromatosis, type I; Peripheral type neurofibromatosis. Identifiers: Orphanet 636, MedGen C0027831, MONDO:0018975, OMIM 162200. Disease mechanism: loss of function.

Submissions (2):

Myriad Genetics, Inc.
Classification: Benign for Neurofibromatosis, type 1. Last evaluated: 2026-09-28. Review status: criteria provided, single submitter. Criteria: Myriad Autosomal Dominant, Autosomal Recessive and X-Linked Classification Criteria (2023). Collection method: clinical testing. Allele origin: unknown.
Comment: This variant is considered benign. This variant is a silent/synonymous amino acid change and it is not expected to impact splicing.

Labcorp Genetics (formerly Invitae), Labcorp
Classification: Likely benign for Neurofibromatosis, type 1. Last evaluated: 2025-10-06. Review status: criteria provided, single submitter. Criteria: Invitae Variant Classification Sherloc (09022015). Collection method: clinical testing. Allele origin: germline.